The following is an entry in ClinVar:

ClinVar aggregate classification (germline): Uncertain significance (1 of 4 stars; one submission).

Conditions:
Familial hemophagocytic lymphohistiocytosis 3 (FHL3). Also called: UNC13D-Related Familial Hemophagocytic Lymphohistiocytosis (UNC13D-fHLH). Identifiers: Orphanet 540, MedGen C1837174, MONDO:0012146, OMIM 608898.

gnomAD v4.1: 7 of 1,605,026 alleles (0.00044%); highest among the groups gnomAD compares: South Asian, 0.0022%; no homozygotes.

Submission:

Labcorp Genetics (formerly Invitae), Labcorp
Classification: Uncertain significance for Familial hemophagocytic lymphohistiocytosis 3. Last evaluated: 2022-08-10. Review status: criteria provided, single submitter. Criteria: Invitae Variant Classification Sherloc (09022015). Collection method: clinical testing. Allele origin: germline.
Comment: This sequence change replaces alanine, which is neutral and non-polar, with glycine, which is neutral and non-polar, at codon 1085 of the UNC13D protein (p.Ala1085Gly). This variant is present in population databases (rs778060284, gnomAD 0.005%). This variant has not been reported in the literature in individuals affected with UNC13D-related conditions. Algorithms developed to predict the effect of missense changes on protein structure and function output the following: SIFT: "Not Available"; PolyPhen-2: "Benign"; Align-GVGD: "Not Available". The glycine amino acid residue is found in multiple mammalian species, which suggests that this missense change does not adversely affect protein function. In summary, the available evidence is currently insufficient to determine the role of this variant in disease. Therefore, it has been classified as a Variant of Uncertain Significance.

NM_199242.3(UNC13D):c.3254C>G (p.Ala1085Gly)

Gene: UNC13D (unc-13 homolog D; minus strand). Cytogenetic location: 17q25.1.
Variant type: single nucleotide variant.
Coding change: c.3254C>G on transcript NM_199242.3 (MANE Select); coding-DNA position 3254, C replaced by G.
Protein change: p.Ala1085Gly; replaces alanine 1085 with glycine.
Molecular consequence: missense variant.
Genome position (GRCh38, 1-based): chr17:75,827,984, G>C on the plus strand (C>G on the coding strand, the complement: UNC13D is on the minus strand). VCF-style: chr17-75827984-G-C. GRCh37 (hg19) VCF-style: chr17-73824065-G-C.
Other names: short protein forms A1085G.
Identifiers: ClinVar variation 1921193 (VCV001921193.2), dbSNP rs778060284, ClinGen allele CA8772205.